The following is an entry in ClinVar:

NM_000021.4(PSEN1):c.1163T>C (p.Phe388Ser)

Gene: PSEN1 (presenilin 1; plus strand). Cytogenetic location: 14q24.2.
Variant type: single nucleotide variant.
Coding change: c.1163T>C on transcript NM_000021.4 (MANE Select); coding-DNA position 1163, T replaced by C.
Protein change: p.Phe388Ser; replaces phenylalanine 388 with serine.
Molecular consequence: missense variant.
Genome position (GRCh38, 1-based): chr14:73,217,159, T>C. VCF-style: chr14-73217159-T-C. GRCh37 (hg19) VCF-style: chr14-73683867-T-C.
Other names: c.1151T>C, p.Phe384Ser (NM_007318.3); short protein forms F384S, F388S.
Identifiers: ClinVar variation 1705317 (VCV001705317.1), dbSNP rs2503026616, ClinGen allele CA390305764.
Genomic context (GRCh38, chr14:73,217,159, plus strand): 5'-TTAATATTTGTAACCTTTCCTTTTTAGGGGGAGTAAAACTTGGATTGGGAGATTTCATTT[T>C]CTACAGTGTTCTGGTTGGTAAAGCCTCAGCAACAGCCAGTGGAGACTGGAACACAACCAT-3'
Protein context (NP_000012.1, residues 378-398): GVKLGLGDFI[Phe388Ser]YSVLVGKASA

ClinVar aggregate classification (germline): Uncertain significance (1 of 4 stars; one submission).

Conditions:
Alzheimer disease 3 (AD3). Also called: ALZHEIMER DISEASE, FAMILIAL, 3. Identifiers: Orphanet 1020, MedGen C1843013, MONDO:0011913, OMIM 607822.

Submission:

3billion
Classification: Uncertain significance for Alzheimer disease 3. Last evaluated: 2022-09-01. Review status: criteria provided, single submitter. Criteria: ACMG Guidelines, 2015. Collection method: clinical testing. Allele origin: germline. Affected: yes. Observed: 1 heterozygote.
Comment: The variant is not observed in the gnomAD v2.1.1 dataset. Missense changes are a common disease-causing mechanism. In silico tool predictions suggest damaging effect of the variant on gene or gene product (REVEL: 0.96; 3Cnet: 0.99). A different missense change at the same codon (p.Phe388Leu) has been reported to be associated with PSEN1-related disorder (PMID: 27836335). However the evidence of pathogenicity is insufficient at this time. Therefore, this variant is classified as uncertain significance according to the recommendation of ACMG/AMP guideline.

Literature cited by the submitters: PubMed 27836335.